The following is an entry in ClinVar:

NM_005477.3(HCN4):c.3609A>G (p.Leu1203=)

Gene: HCN4 (hyperpolarization activated cyclic nucleotide gated potassium channel 4; minus strand). Cytogenetic location: 15q24.1.
Variant type: single nucleotide variant.
Coding change: c.3609A>G on transcript NM_005477.3 (MANE Select); coding-DNA position 3609, A replaced by G.
Protein change: p.Leu1203=; no amino-acid change (leucine 1203 retained).
Molecular consequence: synonymous variant.
Genome position (GRCh38, 1-based): chr15:73,322,484, T>C on the plus strand (A>G on the coding strand, the complement: HCN4 is on the minus strand). VCF-style: chr15-73322484-T-C. GRCh37 (hg19) VCF-style: chr15-73614825-T-C.
Identifiers: ClinVar variation 837958 (VCV000837958.12), dbSNP rs560268041, ClinGen allele CA7648789.

ClinVar aggregate classification (germline): Likely benign. Review status: criteria provided, multiple submitters, no conflicts (2 of 4 stars). 3 submissions from 3 submitters: Likely benign (3). Last evaluated 2026-09-08.

Conditions:
Cardiovascular phenotype. Identifiers: MedGen CN230736.
Brugada syndrome 8 (BRGDA8). Identifiers: Orphanet 130, MedGen C2751083, MONDO:0013148, OMIM 613123.
HCN4-related disorder. Also called: HCN4-related condition.

Allele frequency attached by ClinVar (database versions not stated): gnomAD 0.00001; gnomAD exomes 0.00001; TOPMed 0.00001; ExAC 0.00003; 1000 Genomes Project 30x 0.00016; 1000 Genomes Project 0.00020.
gnomAD v4.1: 8 of 1,589,858 alleles (0.0005%); highest among the groups gnomAD compares: Admixed American, 0.0035%; no homozygotes.

Submissions (3):

PreventionGenetics, part of Exact Sciences
Classification: Likely benign for HCN4-related condition. Last evaluated: 2026-09-08. Review status: criteria provided, single submitter. Criteria: ACMG Guidelines, 2015. Collection method: clinical testing. Allele origin: germline.
Comment: This variant is classified as likely benign based on ACMG/AMP sequence variant interpretation guidelines (Richards et al. 2015 PMID: 25741868, with internal and published modifications).

Labcorp Genetics (formerly Invitae), Labcorp
Classification: Likely benign for Brugada syndrome 8. Last evaluated: 2025-02-10. Review status: criteria provided, single submitter. Criteria: Invitae Variant Classification Sherloc (09022015). Collection method: clinical testing. Allele origin: germline.

Ambry Genetics
Classification: Likely benign for Cardiovascular phenotype. Last evaluated: 2024-12-28. Review status: criteria provided, single submitter. Criteria: Ambry Variant Classification Scheme 2023. Collection method: clinical testing. Allele origin: germline.